The following is an entry in ClinVar:

NM_021098.3(CACNA1H):c.2557A>G (p.Ile853Val)

Gene: CACNA1H (calcium voltage-gated channel subunit alpha1 H; plus strand). Cytogenetic location: 16p13.3.
Variant type: single nucleotide variant.
Coding change: c.2557A>G on transcript NM_021098.3 (MANE Select); coding-DNA position 2557, A replaced by G.
Protein change: p.Ile853Val; replaces isoleucine 853 with valine.
Molecular consequence: missense variant.
Genome position (GRCh38, 1-based): chr16:1,205,219, A>G. VCF-style: chr16-1205219-A-G. GRCh37 (hg19) VCF-style: chr16-1255219-A-G.
Other names: c.2557A>G (NM_021098.2); c.2557A>G, p.Ile853Val (NM_001005407.2); short protein forms I853V.
Identifiers: ClinVar variation 1345403 (VCV001345403.10), dbSNP rs906645609, ClinGen allele CA276657932.

ClinVar aggregate classification (germline): Uncertain significance. Review status: criteria provided, single submitter (1 of 4 stars). 2 submissions from 2 submitters: Uncertain significance (1). 1 of the submissions does not count toward it. Last evaluated 2021-02-20.

Conditions:
Idiopathic generalized epilepsy. Also called: EIG; Generalised epilepsy. Identifiers: MedGen C0270850, MONDO:0005579, OMIM 600669.
Hyperaldosteronism, familial, type IV (HALD4). Also called: FH IV; ALDOSTERONISM, PRIMARY, AND HYPERTENSION. Identifiers: Orphanet 642671, MedGen C4310756, MONDO:0014875, OMIM 617027.
CACNA1H-related disorder.

Allele frequency attached by ClinVar (database versions not stated): gnomAD exomes below 0.00001; gnomAD 0.00001.
gnomAD v4.1: 1 of 1,612,944 alleles (0.000062%); highest among the groups gnomAD compares: Non-Finnish European, 0.000085%; no homozygotes.

Submissions (2):

Labcorp Genetics (formerly Invitae), Labcorp
Classification: Uncertain significance for Idiopathic generalized epilepsy; Hyperaldosteronism, familial, type IV. Last evaluated: 2021-02-20. Review status: criteria provided, single submitter. Criteria: Invitae Variant Classification Sherloc (09022015). Collection method: clinical testing. Allele origin: germline.
Comment: In summary, the available evidence is currently insufficient to determine the role of this variant in disease. Therefore, it has been classified as a Variant of Uncertain Significance. Advanced modeling of protein sequence and biophysical properties (such as structural, functional, and spatial information, amino acid conservation, physicochemical variation, residue mobility, and thermodynamic stability) performed at Invitae indicates that this missense variant is not expected to disrupt CACNA1H protein function. This variant has not been reported in the literature in individuals with CACNA1H-related conditions. This variant is not present in population databases (ExAC no frequency). This sequence change replaces isoleucine with valine at codon 853 of the CACNA1H protein (p.Ile853Val). The isoleucine residue is highly conserved and there is a small physicochemical difference between isoleucine and valine.

PreventionGenetics, part of Exact Sciences
Classification: Uncertain significance for CACNA1H-related condition. Last evaluated: 2024-01-19. Review status: no assertion criteria provided. Collection method: clinical testing. Allele origin: germline. Not counted in ClinVar's aggregate classification.
Comment: The CACNA1H c.2557A>G variant is predicted to result in the amino acid substitution p.Ile853Val. To our knowledge, this variant has not been reported in the literature or in a large population database, indicating this variant is rare. At this time, the clinical significance of this variant is uncertain due to the absence of conclusive functional and genetic evidence.